The following is an entry in ClinVar:

ClinVar aggregate classification (germline): Conflicting classifications of pathogenicity. Review status: criteria provided, conflicting classifications (1 of 4 stars). 7 submissions from 7 submitters: Uncertain significance (6); Likely benign (1). Last evaluated 2026-08-11.

Conditions:
GALNT12-related disorder. Also called: GALNT12-related condition.
Colorectal cancer, susceptibility to, 1. Also called: COLORECTAL ADENOMA AND CANCER, SUSCEPTIBILITY TO; COLORECTAL CANCER, SUSCEPTIBILITY TO, ON CHROMOSOME 9. Identifiers: MedGen C1837315, MONDO:0012132, OMIM 608812.

Allele frequency attached by ClinVar (database versions not stated): ExAC 0.00027; gnomAD exomes 0.00027 and 0.00033; 1000 Genomes Project 30x 0.00031; ESP Exome Variant Server 0.00031; 1000 Genomes Project 0.00040; gnomAD 0.00040 and 0.00046; TOPMed 0.00065.
gnomAD v4.1: 542 of 1,613,962 alleles (0.034%); highest among the groups gnomAD compares: Admixed American, 0.1%; 1 homozygote.

Submissions (7):

PreventionGenetics, part of Exact Sciences
Classification: Uncertain significance for GALNT12-related condition. Last evaluated: 2026-08-11. Review status: criteria provided, single submitter. Criteria: ACMG Guidelines, 2015. Collection method: clinical testing. Allele origin: germline.
Comment: The GALNT12 c.889C>T variant is predicted to result in the amino acid substitution p.Arg297Trp. This variant was reported in a patient with colon and breast cancer (Patient X452, Guda et al. 2009. PubMed ID: 19617566) and a patient with colon cancer (Family 1543, Evans et al. 2018. PubMed ID: 29749045). However, this variant was also found in a control individual (Evans et al. 2018. PubMed ID: 29749045). Functional characterization of this variant showed that it retained only 7% of wild type activity (Guda et al. 2009. PubMed ID: 19617566) and in silico analysis predicted a reduction of protein stability (Hussain et al. 2014. PubMed ID: 24038392). This variant is reported in 0.056% of alleles in individuals of Latino descent in gnomAD and in ClinVar this variant has conflicting interpretations regarding its pathogenicity, ranging from uncertain significance to likely benign (Variation ID: 241518). At this time, the clinical significance of this variant is uncertain due to the absence of conclusive functional and genetic evidence.

Labcorp Genetics (formerly Invitae), Labcorp
Classification: Uncertain significance. Last evaluated: 2026-02-01. Review status: criteria provided, single submitter. Criteria: Invitae Variant Classification Sherloc (09022015). Collection method: clinical testing. Allele origin: germline.
Comment: This sequence change replaces arginine, which is basic and polar, with tryptophan, which is neutral and slightly polar, at codon 297 of the GALNT12 protein (p.Arg297Trp). This variant is present in population databases (rs149726976, gnomAD 0.06%), and has an allele count higher than expected for a pathogenic variant. This missense change has been observed in individual(s) with bilateral breast cancer in addition to primary colorectal cancer (PMID: 19617566, 29749045). ClinVar contains an entry for this variant (Variation ID: 241518). Invitae Evidence Modeling of protein sequence and biophysical properties (such as structural, functional, and spatial information, amino acid conservation, physicochemical variation, residue mobility, and thermodynamic stability) indicates that this missense variant is not expected to disrupt GALNT12 protein function with a negative predictive value of 80%. Experimental studies have shown that this missense change affects GALNT12 function (PMID: 19617566, 29749045). In summary, the available evidence is currently insufficient to determine the role of this variant in disease. Therefore, it has been classified as a Variant of Uncertain Significance.

Quest Diagnostics Nichols Institute San Juan Capistrano
Classification: Likely benign. Last evaluated: 2025-05-12. Review status: criteria provided, single submitter. Criteria: Quest Diagnostics criteria. Collection method: clinical testing. Allele origin: unknown.

Ambry Genetics
Classification: Uncertain significance. Last evaluated: 2025-01-22. Review status: criteria provided, single submitter. Criteria: Ambry Variant Classification Scheme 2023. Collection method: clinical testing. Allele origin: germline.
Comment: The p.R297W variant (also known as c.889C>T), located in coding exon 4 of the GALNT12 gene, results from a C to T substitution at nucleotide position 889. The arginine at codon 297 is replaced by tryptophan, an amino acid with dissimilar properties. Functional assays performed in yeast indicate that this variant has reduced activity compared to wild type (Guda K et al. Proc. Natl. Acad. Sci. U.S.A. 2009 Aug;106:12921-5). In addition, structural analysis concluded that this alteration occurs between the catalytic A and catalytic B domains and decreases protein structure stability (Hussain MR et al. J. Cell. Biochem. 2014 Feb;115:313-27). However, this alteration was observed in both 1/479 colorectal cases and in 1/400 healthy controls in one study (Evans DR et al. Hum. Mutat. 2018 Aug;39(8):1092-1101). This amino acid position is not well conserved in available vertebrate species. In addition, the in silico prediction for this alteration is inconclusive. The evidence for this gene-disease relationship is limited; therefore, the clinical significance of this alteration is unclear.

Baylor Genetics
Classification: Uncertain significance for Colorectal cancer, susceptibility to, 1. Last evaluated: 2024-03-29. Review status: criteria provided, single submitter. Criteria: ACMG Guidelines, 2015. Collection method: clinical testing. Allele origin: unknown.

Department of Pathology and Laboratory Medicine, Sinai Health System
Classification: Uncertain significance for Colorectal cancer, susceptibility to, 1. Last evaluated: 2023-01-31. Review status: criteria provided, single submitter. Criteria: ACMG Guidelines, 2015. Collection method: clinical testing. Allele origin: germline. Affected: yes.

Institute for Clinical Genetics, University Hospital TU Dresden, University Hospital TU Dresden
Classification: Uncertain significance. Last evaluated: 2021-11-03. Review status: criteria provided, single submitter. Criteria: ACMG Guidelines, 2015. Collection method: clinical testing. Allele origin: germline.

Literature cited by the submitters: PubMed 19617566 (cited by 4 submitters); PubMed 29749045 (cited by 4 submitters); PubMed 32371905 (cited by Quest Diagnostics Nichols Institute San Juan Capistrano); PubMed 39256447 (cited by Quest Diagnostics Nichols Institute San Juan Capistrano); PubMed 24038392 (cited by Quest Diagnostics Nichols Institute San Juan Capistrano and Ambry Genetics); PubMed 26021770 (cited by Quest Diagnostics Nichols Institute San Juan Capistrano).

NM_024642.5(GALNT12):c.889C>T (p.Arg297Trp)

Gene: GALNT12 (polypeptide N-acetylgalactosaminyltransferase 12; plus strand). Cytogenetic location: 9q22.33.
Variant type: single nucleotide variant.
Coding change: c.889C>T on transcript NM_024642.5 (MANE Select); coding-DNA position 889, C replaced by T.
Protein change: p.Arg297Trp; replaces arginine 297 with tryptophan.
Molecular consequence: missense variant.
Genome position (GRCh38, 1-based): chr9:98,831,929, C>T. VCF-style: chr9-98831929-C-T. GRCh37 (hg19) VCF-style: chr9-101594211-C-T.
Other names: short protein forms R297W.
Identifiers: ClinVar variation 241518 (VCV000241518.25), dbSNP rs149726976, ClinGen allele CA5154086.
Genomic context (GRCh38, chr9:98,831,929, plus strand): 5'-GGCGGTTTCGACTGGAGGCTGGTGTTCACGTGGCACACAGTTCCTGAGAGGGAGAGGATA[C>T]GGATGCAATCCCCCGTCGATGTCATCAGGTCAGGAGCTGACTTCTGGGTGACTTGTTTTT-3'
Protein context (NP_078918.3, residues 287-307): WHTVPERERI[Arg297Trp]MQSPVDVIRS